The following is an entry in ClinVar:

NM_007118.4(TRIO):c.6153+4A>G

Gene: TRIO (trio Rho guanine nucleotide exchange factor; plus strand). Cytogenetic location: 5p15.2.
Variant type: single nucleotide variant.
Coding change: c.6153+4A>G on transcript NM_007118.4 (MANE Select); 4 bases into the intron after coding-DNA position 6153, A replaced by G.
Molecular consequence: intron variant.
Genome position (GRCh38, 1-based): chr5:14,476,967, A>G. VCF-style: chr5-14476967-A-G. GRCh37 (hg19) VCF-style: chr5-14477076-A-G.
Identifiers: ClinVar variation 1699216 (VCV001699216.3), dbSNP rs2126581436, ClinGen allele CA2573131729.

ClinVar aggregate classification (germline): Uncertain significance (1 of 4 stars; one submission).

Conditions:
Intellectual developmental disorder, autosomal dominant 44, with microcephaly. Also called: Micrognathia-recurrent infections-behavioral abnormalities-mild intellectual disability syndrome; TRIO-Related Intellectual Disability. Identifiers: Orphanet 476126, MedGen C4310740, MONDO:0014892, OMIM 617061.

Submission:

Victorian Clinical Genetics Services, Murdoch Childrens Research Institute
Classification: Uncertain significance for Intellectual developmental disorder, autosomal dominant 44, with microcephaly. Last evaluated: 2022-02-02. Review status: criteria provided, single submitter. Criteria: ACMG Guidelines, 2015. Collection method: clinical testing. Allele origin: germline. Inheritance: Autosomal dominant inheritance. Affected: yes.
Comment: Based on the classification scheme VCGS_Germline_v1.3.4, this variant is classified as VUS-3B. Following criteria are met: 0103 - Loss- and gain-of-function are known mechanisms of disease for this gene. Loss-of-function variants and missense variants within the RhoGEF domain are associated with microcephaly whereas gain-of-function missense variants within the 7th spectrin repeat are associated with macrocephaly (PMID: 32109419). (I) 0107 - This gene is associated with autosomal dominant disease. (I) 0212 - Non-canonical splice site variant without proven consequence on splicing (no functional evidence available). (SP) 0251 - This variant is heterozygous. (I) 0301 - Variant is absent from gnomAD (both v2 and v3). (SP) 0505 - Splice in silico tool predictions are inconclusive and the affected nucleotide is highly conserved. (I) 0705 - No comparable splice variants have previous evidence for pathogenicity. (I) 0807 - This variant has no previous evidence of pathogenicity. (I) 0905 - No published segregation evidence has been identified for this variant. (I) 1007 - No published functional evidence has been identified for this variant. (I) 1208 - Inheritance information for this variant is not currently available in this individual. (I) Legend: (SP) - Supporting pathogenic, (I) - Information, (SB) - Supporting benign

Literature cited by the submitters: PubMed 32109419.